The following is an entry in ClinVar:

NM_000245.4(MET):c.3231T>G (p.Ile1077Met)

Gene: MET (MET proto-oncogene, receptor tyrosine kinase; plus strand). Cytogenetic location: 7q31.2.
Variant type: single nucleotide variant.
Coding change: c.3231T>G on transcript NM_000245.4 (MANE Select); coding-DNA position 3231, T replaced by G.
Protein change: p.Ile1077Met; replaces isoleucine 1077 with methionine.
Molecular consequence: missense variant.
Genome position (GRCh38, 1-based): chr7:116,775,083, T>G. VCF-style: chr7-116775083-T-G. GRCh37 (hg19) VCF-style: chr7-116415137-T-G.
Other names: c.3285T>G, p.Ile1095Met (NM_001127500.3); c.1941T>G, p.Ile647Met (NM_001324402.2); short protein forms I1095M, I1077M, I647M.
Identifiers: ClinVar variation 948633 (VCV000948633.10), dbSNP rs1251215478, ClinGen allele CA368988745.

ClinVar aggregate classification (germline): Conflicting classifications of pathogenicity. Review status: criteria provided, conflicting classifications (1 of 4 stars). 3 submissions from 3 submitters: Uncertain significance (2); Likely benign (1). Last evaluated 2026-09-04.

Conditions:
Hereditary cancer-predisposing syndrome. Also called: Neoplastic Syndromes, Hereditary; Hereditary Cancer Syndrome; Tumor predisposition; Hereditary neoplastic syndrome. Identifiers: Orphanet 140162, MedGen C0027672, MeSH D009386, MONDO:0015356.
Renal cell carcinoma. Identifiers: Orphanet 217071, MedGen C0007134, MeSH D002292, MONDO:0005086, HP:0005584.

Submissions (3):

Ambry Genetics
Classification: Likely benign for Hereditary cancer-predisposing syndrome. Last evaluated: 2026-09-04. Review status: criteria provided, single submitter. Criteria: Ambry Variant Classification Scheme 2023. Collection method: clinical testing. Allele origin: germline.

Labcorp Genetics (formerly Invitae), Labcorp
Classification: Uncertain significance for Renal cell carcinoma. Last evaluated: 2024-11-19. Review status: criteria provided, single submitter. Criteria: Invitae Variant Classification Sherloc (09022015). Collection method: clinical testing. Allele origin: germline.
Comment: This sequence change replaces isoleucine, which is neutral and non-polar, with methionine, which is neutral and non-polar, at codon 1095 of the MET protein (p.Ile1095Met). This variant is not present in population databases (gnomAD no frequency). This variant has not been reported in the literature in individuals affected with MET-related conditions. ClinVar contains an entry for this variant (Variation ID: 948633). Invitae Evidence Modeling of protein sequence and biophysical properties (such as structural, functional, and spatial information, amino acid conservation, physicochemical variation, residue mobility, and thermodynamic stability) indicates that this missense variant is not expected to disrupt MET protein function with a negative predictive value of 80%. In summary, the available evidence is currently insufficient to determine the role of this variant in disease. Therefore, it has been classified as a Variant of Uncertain Significance.

Blueprint Genetics
Classification: Uncertain significance. Last evaluated: 2021-12-10. Review status: criteria provided, single submitter. Criteria: ACMG Guidelines, 2015. Collection method: clinical testing. Allele origin: germline.